The following is an entry in ClinVar:

NM_182914.3(SYNE2):c.6799A>G (p.Asn2267Asp)

Gene: SYNE2 (spectrin repeat containing nuclear envelope protein 2; plus strand). Cytogenetic location: 14q23.2.
Variant type: single nucleotide variant.
Coding change: c.6799A>G on transcript NM_182914.3 (MANE Select); coding-DNA position 6799, A replaced by G.
Protein change: p.Asn2267Asp; replaces asparagine 2267 with aspartic acid.
Molecular consequence: missense variant.
Genome position (GRCh38, 1-based): chr14:64,029,979, A>G. VCF-style: chr14-64029979-A-G. GRCh37 (hg19) VCF-style: chr14-64496697-A-G.
Other names: c.6799A>G, p.Asn2267Asp (NM_015180.6); short protein forms N2267D.
Identifiers: ClinVar variation 1385832 (VCV001385832.8), dbSNP rs961730782, ClinGen allele CA261818274.
Genomic context (GRCh38, chr14:64,029,979, plus strand): 5'-CACGTTCGAGAACATGATTCATACCAGGTTTGCGTCACAGACCTGAATACTACATTGGAC[A>G]ATTTCTCCAAGGAATTTGTCAGTTTTTCTGATAAGCCTGTGGATCAAATAGCGGTTGAGG-3'
Protein context (NP_878918.2, residues 2257-2277): CVTDLNTTLD[Asn2267Asp]FSKEFVSFSD

ClinVar aggregate classification (germline): Uncertain significance (1 of 4 stars; one submission).

Conditions:
Emery-Dreifuss muscular dystrophy 5, autosomal dominant (EDMD5). Also called: EMERY-DREIFUSS MUSCULAR DYSTROPHY 5. Identifiers: Orphanet 261, MedGen C2751805, MONDO:0013072, OMIM 612999.

Allele frequency attached by ClinVar (database versions not stated): gnomAD exomes below 0.00001 and 0.00001; gnomAD 0.00001; TOPMed 0.00001.
gnomAD v4.1: 17 of 1,614,062 alleles (0.0011%); highest among the groups gnomAD compares: Non-Finnish European, 0.0014%; no homozygotes.

Submission:

Labcorp Genetics (formerly Invitae), Labcorp
Classification: Uncertain significance for Emery-Dreifuss muscular dystrophy 5, autosomal dominant. Last evaluated: 2021-06-13. Review status: criteria provided, single submitter. Criteria: Invitae Variant Classification Sherloc (09022015). Collection method: clinical testing. Allele origin: germline.
Comment: This sequence change replaces asparagine with aspartic acid at codon 2267 of the SYNE2 protein (p.Asn2267Asp). The asparagine residue is weakly conserved and there is a small physicochemical difference between asparagine and aspartic acid. This variant is not present in population databases (ExAC no frequency). This variant has not been reported in the literature in individuals with SYNE2-related conditions. Algorithms developed to predict the effect of missense changes on protein structure and function output the following: SIFT: "Tolerated"; PolyPhen-2: "Benign"; Align-GVGD: "Class C0". The aspartic acid amino acid residue is found in multiple mammalian species, suggesting that this missense change does not adversely affect protein function. These predictions have not been confirmed by published functional studies and their clinical significance is uncertain. In summary, the available evidence is currently insufficient to determine the role of this variant in disease. Therefore, it has been classified as a Variant of Uncertain Significance.